The following is an entry in ClinVar:

ClinVar aggregate classification (germline): Uncertain significance (1 of 4 stars; one submission).

Conditions:
Juvenile polyposis syndrome (JPS). Identifiers: Orphanet 2929, MedGen C0345893, MONDO:0017380, OMIM 174900.

gnomAD v4.1: 3 of 1,614,168 alleles (0.00019%); highest among the groups gnomAD compares: Non-Finnish European, 0.00017%; no homozygotes.

Submission:

Labcorp Genetics (formerly Invitae), Labcorp
Classification: Uncertain significance for Juvenile polyposis syndrome. Last evaluated: 2024-03-14. Review status: criteria provided, single submitter. Criteria: Invitae Variant Classification Sherloc (09022015). Collection method: clinical testing. Allele origin: germline.
Comment: This sequence change replaces valine, which is neutral and non-polar, with aspartic acid, which is acidic and polar, at codon 155 of the BMPR1A protein (p.Val155Asp). This variant is not present in population databases (gnomAD no frequency). This variant has not been reported in the literature in individuals affected with BMPR1A-related conditions. Advanced modeling of protein sequence and biophysical properties (such as structural, functional, and spatial information, amino acid conservation, physicochemical variation, residue mobility, and thermodynamic stability) performed at Invitae indicates that this missense variant is not expected to disrupt BMPR1A protein function with a negative predictive value of 80%. In summary, the available evidence is currently insufficient to determine the role of this variant in disease. Therefore, it has been classified as a Variant of Uncertain Significance.

NM_004329.3(BMPR1A):c.464T>A (p.Val155Asp)

Gene: BMPR1A (bone morphogenetic protein receptor type 1A; plus strand). Cytogenetic location: 10q23.2.
Variant type: single nucleotide variant.
Coding change: c.464T>A on transcript NM_004329.3 (MANE Select); coding-DNA position 464, T replaced by A.
Protein change: p.Val155Asp; replaces valine 155 with aspartic acid.
Molecular consequence: missense variant. On other transcripts: non-coding transcript variant (3), intron variant (1).
Genome position (GRCh38, 1-based): chr10:86,900,060, T>A. VCF-style: chr10-86900060-T-A. GRCh37 (hg19) VCF-style: chr10-88659817-T-A.
Other names: c.464T>A, p.Val155Asp (NM_001406567.1, NM_001406568.1, NM_001406569.1 and 22 more transcripts); c.380T>A, p.Val127Asp (NM_001406586.1, NM_001406587.1, NM_001406588.1 and 2 more transcripts); c.333+7831T>A (NM_001406589.1); short protein forms V127D, V155D.
Identifiers: ClinVar variation 3646152 (VCV003646152.2).